The following is an entry in ClinVar:

NC_000010.10:g.(?_56106115)_(56106254_?)del

Gene: PCDH15 (protocadherin related 15; minus strand). Cytogenetic location: 10q21.1.
Variant type: Deletion.
Identifiers: ClinVar variation 2427100 (VCV002427100.4).

ClinVar aggregate classification (germline): Pathogenic (1 of 4 stars; one submission).

Submission:

Labcorp Genetics (formerly Invitae), Labcorp
Classification: Pathogenic. Last evaluated: 2022-11-01. Review status: criteria provided, single submitter. Criteria: Invitae Variant Classification Sherloc (09022015). Collection method: clinical testing. Allele origin: germline.
Comment: For these reasons, this variant has been classified as Pathogenic. This variant disrupts a region of the PCDH15 protein in which other variant(s) (p.Asp178Gly) have been observed in individuals with PCDH15-related conditions (PMID: 18719945). This suggests that this is a clinically significant region of the protein, and that variants that disrupt it are likely to be disease-causing. A similar copy number variant has been observed in individual(s) with Usher syndrome (PMID: 28041643). In at least one individual the data is consistent with being in trans (on the opposite chromosome) from a pathogenic variant. This variant is a gross deletion of the genomic region encompassing exon(s) 6 of the PCDH15 gene. This variant would be expected to be in-frame, preserving the integrity of the reading frame.

Literature cited by the submitters: PubMed 18719945; PubMed 28041643.